The following is an entry in ClinVar:

ClinVar aggregate classification (germline): Uncertain significance (1 of 4 stars; one submission).

Submission:

Ambry Genetics
Classification: Uncertain significance. Last evaluated: 2025-06-23. Review status: criteria provided, single submitter. Criteria: Ambry Variant Classification Scheme 2023. Collection method: clinical testing. Allele origin: germline.
Comment: The p.N629K variant (also known as c.1887C>G), located in coding exon 14 of the RECQL gene, results from a C to G substitution at nucleotide position 1887. The asparagine at codon 629 is replaced by lysine, an amino acid with similar properties. This amino acid position is conserved. In addition, this alteration is predicted to be tolerated by in silico analysis. Based on the available evidence, the clinical significance of this variant remains unclear.

NM_002907.4(RECQL):c.1887C>G (p.Asn629Lys)

Genes: PYROXD1 (pyridine nucleotide-disulphide oxidoreductase domain 1; plus strand), RECQL (RecQ like helicase; minus strand). Cytogenetic location: 12p12.1.
Variant type: single nucleotide variant.
Coding change: c.1887C>G on transcript NM_002907.4 (MANE Select); coding-DNA position 1887, C replaced by G.
Protein change: p.Asn629Lys; replaces asparagine 629 with lysine.
Molecular consequence: missense variant. On other transcripts: 3 prime UTR variant (3).
Genome position (GRCh38, 1-based): chr12:21,470,257, G>C on the plus strand (C>G on the coding strand, the complement: RECQL is on the minus strand). VCF-style: chr12-21470257-G-C. GRCh37 (hg19) VCF-style: chr12-21623191-G-C.
Other names: c.1887C>G, p.Asn629Lys (NM_032941.3); c.*1503G>C (NM_001350912.2, NM_001350913.2, NM_024854.5); short protein forms N629K.
Identifiers: ClinVar variation 4152300 (VCV004152300.1).